The following is an entry in ClinVar:

NC_000014.9:g.95696766_96390792dup

Genes: TUNAR (transmembrane neural differentiation associated intracellular calcium regulator; plus strand), GSKIP (GSK3B interacting protein; plus strand), TCL1A (TCL1 family AKT coactivator A; minus strand), ATG2B (autophagy related 2B; minus strand), BDKRB1 (bradykinin receptor B1; plus strand) and 28 more. Cytogenetic location: 14q32.13-32.2.
Variant type: Duplication.
Identifiers: ClinVar variation 208237 (VCV000208237.3).

ClinVar aggregate classification (germline): Likely pathogenic. Review status: criteria provided, single submitter (1 of 4 stars). 4 submissions from 1 submitter: Likely pathogenic (4). Last evaluated 2015-06-01.

Conditions:
Acute myeloid leukemia (AML). Also called: Acute myeloid leukemia, adult; AML adult; Acute non-lymphocytic leukemia; Acute granulocytic leukemia; Leukemia, acute myelogenous, somatic; Leukemia, acute myeloid, somatic. Identifiers: Orphanet 519, MedGen C0023467, MeSH D015470, MONDO:0018874, OMIM 601626, HP:0004808. Disease mechanism: Constitutively activated FLT3.
Thrombocythemia 1 (THCYT1). Also called: THROMBOCYTHEMIA, SOMATIC; THROMBOCYTOSIS 1. Identifiers: MedGen C3277671, MONDO:0008554, OMIM 187950.
Primary myelofibrosis. Also called: Myelofibrosis, somatic. Identifiers: Orphanet 824, MedGen C0001815, MeSH D055728, MONDO:0009692, OMIM 254450.

Submissions (4):

INSERM UMR 1170, INSERM
Classification: Likely pathogenic for Essential thrombocythemia. Last evaluated: 2015-06-01. Review status: criteria provided, single submitter. Criteria: Submitter's publication. Collection method: research. Allele origin: germline. Inheritance: Autosomal dominant inheritance. Affected: yes. Observed: 11 heterozygotes. Clinical features observed: essential thrombocytemia.
Comment: overexpression of ATG2B and GSKIP enhance hematopoietic progenitor differentiation

INSERM UMR 1170, INSERM
Classification: Likely pathogenic for Myelofibrosis. Last evaluated: 2015-06-01. Review status: criteria provided, single submitter. Criteria: Submitter's publication. Collection method: research. Allele origin: germline. Inheritance: Autosomal dominant inheritance. Affected: yes. Observed: 2 heterozygotes. Clinical features observed: primary myelofibrosis.
Comment: the same text as in the submission from INSERM UMR 1170, INSERM above.

INSERM UMR 1170, INSERM
Classification: Likely pathogenic for AML - Acute myeloid leukemia. Last evaluated: 2015-06-01. Review status: criteria provided, single submitter. Criteria: Submitter's publication. Collection method: research. Allele origin: germline. Inheritance: Autosomal dominant inheritance. Affected: yes. Observed: 8 heterozygotes. Clinical features observed: acute myeloid leukemia.
Comment: the same text as in the submission from INSERM UMR 1170, INSERM above.

INSERM UMR 1170, INSERM
Classification: Likely pathogenic for Essential thrombocythemia; AML - Acute myeloid leukemia. Last evaluated: 2015-06-01. Review status: criteria provided, single submitter. Criteria: Submitter's publication. Collection method: research. Allele origin: germline. Inheritance: Autosomal dominant inheritance. Affected: yes. Observed: 10 heterozygotes. Clinical features observed: essential thrombocytemia, myelofibrosis, acute myeloid leukemia.
Comment: the same text as in the submission from INSERM UMR 1170, INSERM above.